The following is an entry in ClinVar:

NM_000321.3(RB1):c.1981del (p.Arg661fs)

Gene: RB1 (RB transcriptional corepressor 1; plus strand). Cytogenetic location: 13q14.2.
Variant type: Deletion.
Coding change: c.1981del on transcript NM_000321.3 (MANE Select); coding-DNA position 1981, one base deleted (C; older notation c.1981delC).
Protein change: p.Arg661fs; shifts the reading frame from arginine 661.
Molecular consequence: frameshift variant.
Genome position (GRCh38, 1-based): chr13:48,459,708, C deleted; the last of 2 consecutive C bases (chr13:48,459,707-48,459,708); deleting either gives the same sequence. VCF-style (leftmost placement, unchanged base first): chr13-48459706-TC-T. GRCh37 (hg19) VCF-style: chr13-49033842-TC-T.
Other names: c.1981del, p.Arg661fs (NM_001407165.1); short protein forms R661fs.
Identifiers: ClinVar variation 4759396 (VCV004759396.1).

ClinVar aggregate classification (germline): Pathogenic (1 of 4 stars; one submission).

Conditions:
Hereditary retinoblastoma. Identifiers: Orphanet 357027, MedGen C0751483, MONDO:0018160.

Submission:

Ramesar Group, Division of Human Genetics, Institute of Infectious Diseases and Molecular Medicine, UCT/MRC Genomic and Precision Medicine Research Unit, University of Cape Town
Classification: Pathogenic for Hereditary retinoblastoma. Last evaluated: 2025-09-17. Review status: criteria provided, single submitter. Criteria: ACMG Guidelines, 2015. Collection method: research. Allele origin: germline. Affected: yes. Observed: 2 variant alleles.